The following is an entry in ClinVar:

NM_000057.4(BLM):c.3267A>G (p.Gln1089=)

Gene: BLM (BLM RecQ like helicase; plus strand). Cytogenetic location: 15q26.1.
Variant type: single nucleotide variant.
Coding change: c.3267A>G on transcript NM_000057.4 (MANE Select); coding-DNA position 3267, A replaced by G.
Protein change: p.Gln1089=; no amino-acid change (glutamine 1089 retained).
Molecular consequence: synonymous variant.
Genome position (GRCh38, 1-based): chr15:90,798,246, A>G. VCF-style: chr15-90798246-A-G. GRCh37 (hg19) VCF-style: chr15-91341476-A-G.
Other names: c.3267A>G, p.Gln1089= (NM_001287246.2, NM_001287247.2); c.2142A>G, p.Gln714= (NM_001287248.2); c.3267A>G (NM_000057.2).
Identifiers: ClinVar variation 626066 (VCV000626066.41), dbSNP rs1396484162, ClinGen allele CA492164959.

ClinVar aggregate classification (germline): Conflicting classifications of pathogenicity. Review status: criteria provided, conflicting classifications (1 of 4 stars). 5 submissions from 5 submitters: Uncertain significance (1); Likely benign (4). Last evaluated 2026-01-28.

Conditions:
Bloom syndrome (BLM). Also called: Bloom-Torre-Machacek syndrome. Identifiers: Orphanet 125, MedGen C0005859, MONDO:0008876, OMIM 210900.
Hereditary cancer-predisposing syndrome. Also called: Hereditary Cancer Syndrome; Tumor predisposition; Hereditary neoplastic syndrome; Neoplastic Syndromes, Hereditary. Identifiers: Orphanet 140162, MedGen C0027672, MeSH D009386, MONDO:0015356.

Allele frequency attached by ClinVar (database versions not stated): TOPMed below 0.00001; gnomAD exomes 0.00001.

Submissions (5):

Labcorp Genetics (formerly Invitae), Labcorp
Classification: Likely benign for Bloom syndrome. Last evaluated: 2026-01-28. Review status: criteria provided, single submitter. Criteria: Invitae Variant Classification Sherloc (09022015). Collection method: clinical testing. Allele origin: germline.

CeGaT Center for Human Genetics Tuebingen
Classification: Likely benign. Last evaluated: 2024-11-01. Review status: criteria provided, single submitter. Criteria: CeGaT Center For Human Genetics Tuebingen Variant Classification Criteria Version 2. Collection method: clinical testing. Allele origin: germline. Affected: yes. Observed: 2 variant alleles.
Comment: BLM: BP4, BP7

Ambry Genetics
Classification: Likely benign for Hereditary cancer-predisposing syndrome. Last evaluated: 2023-05-19. Review status: criteria provided, single submitter. Criteria: Ambry Variant Classification Scheme 2023. Collection method: clinical testing. Allele origin: germline.

Genetic Services Laboratory, University of Chicago
Classification: Likely benign. Last evaluated: 2021-11-16. Review status: criteria provided, single submitter. Criteria: ACMG Guidelines, 2015. Collection method: clinical testing. Allele origin: germline. Affected: no.

Center for Genomics, Ann and Robert H. Lurie Children's Hospital of Chicago
Classification: Uncertain significance for Bloom syndrome. Last evaluated: 2021-03-30. Review status: criteria provided, single submitter. Criteria: ACMG Guidelines, 2015. Collection method: clinical testing. Allele origin: germline.
Comment: BLM NM_000057.3 exon 17 p.Gln1089Gln (c.3267A>G): This variant has not been reported in the literature but is present in 2/30704 South Asian alleles in the Genome Aggregation Database. Evolutionary conservation and computational predictive tools for this variant are limited or unavailable. Of note, this variant is a silent variant and does not change the amino acid, reducing the probability that this variant is disease causing. In summary, data on this variant is insufficient for disease classification. Therefore, the clinical significance of this variant is uncertain.